The following is an entry in ClinVar:

NM_000548.5(TSC2):c.86G>C (p.Arg29Thr)

Gene: TSC2 (TSC complex subunit 2; plus strand). Cytogenetic location: 16p13.3.
Variant type: single nucleotide variant.
Coding change: c.86G>C on transcript NM_000548.5 (MANE Select); coding-DNA position 86, G replaced by C.
Protein change: p.Arg29Thr; replaces arginine 29 with threonine.
Molecular consequence: missense variant. On other transcripts: 5 prime UTR variant (1), intron variant (1).
Genome position (GRCh38, 1-based): chr16:2,048,701, G>C. VCF-style: chr16-2048701-G-C. GRCh37 (hg19) VCF-style: chr16-2098702-G-C.
Other names: c.86G>C, p.Arg29Thr (NM_001077183.3, NM_001114382.3, NM_001318827.2 and 4 more transcripts); c.-141G>C (NM_001318831.2); c.119G>C, p.Arg40Thr (NM_001318832.2); c.-10+636G>C (NM_001318829.2); short protein forms R40T, R29T.
Identifiers: ClinVar variation 944814 (VCV000944814.9), dbSNP rs1567380695, ClinGen allele CA394301351.

ClinVar aggregate classification (germline): Uncertain significance (1 of 4 stars; one submission).

Conditions:
Tuberous sclerosis 2 (TSC2). Identifiers: Orphanet 805, MedGen C1860707, MONDO:0013199, OMIM 613254.

Submission:

Labcorp Genetics (formerly Invitae), Labcorp
Classification: Uncertain significance for Tuberous sclerosis 2. Last evaluated: 2024-08-22. Review status: criteria provided, single submitter. Criteria: Invitae Variant Classification Sherloc (09022015). Collection method: clinical testing. Allele origin: germline.
Comment: This sequence change replaces arginine, which is basic and polar, with threonine, which is neutral and polar, at codon 29 of the TSC2 protein (p.Arg29Thr). This variant is not present in population databases (gnomAD no frequency). This variant has not been reported in the literature in individuals affected with TSC2-related conditions. ClinVar contains an entry for this variant (Variation ID: 944814). Invitae Evidence Modeling of protein sequence and biophysical properties (such as structural, functional, and spatial information, amino acid conservation, physicochemical variation, residue mobility, and thermodynamic stability) indicates that this missense variant is not expected to disrupt TSC2 protein function with a negative predictive value of 95%. In summary, the available evidence is currently insufficient to determine the role of this variant in disease. Therefore, it has been classified as a Variant of Uncertain Significance.